The following is an entry in ClinVar:

ClinVar aggregate classification (germline): Uncertain significance (1 of 4 stars; one submission).

Allele frequency attached by ClinVar (database versions not stated): gnomAD exomes below 0.00001 and 0.00001; gnomAD 0.00001 and 0.00002; ExAC 0.00002; TOPMed 0.00003; 1000 Genomes Project 30x 0.00016; 1000 Genomes Project 0.00020.
gnomAD v4.1: 21 of 1,614,232 alleles (0.0013%); highest among the groups gnomAD compares: Non-Finnish European, 0.0017%; no homozygotes.

Submission:

Labcorp Genetics (formerly Invitae), Labcorp
Classification: Uncertain significance. Last evaluated: 2022-06-04. Review status: criteria provided, single submitter. Criteria: Invitae Variant Classification Sherloc (09022015). Collection method: clinical testing. Allele origin: germline.
Comment: This sequence change replaces valine, which is neutral and non-polar, with isoleucine, which is neutral and non-polar, at codon 251 of the FLAD1 protein (p.Val251Ile). This variant is present in population databases (rs192926060, gnomAD 0.002%). This variant has not been reported in the literature in individuals affected with FLAD1-related conditions. ClinVar contains an entry for this variant (Variation ID: 1485636). Algorithms developed to predict the effect of missense changes on protein structure and function are either unavailable or do not agree on the potential impact of this missense change (SIFT: "Tolerated"; PolyPhen-2: "Probably Damaging"; Align-GVGD: "Class C0"). In summary, the available evidence is currently insufficient to determine the role of this variant in disease. Therefore, it has been classified as a Variant of Uncertain Significance.

NM_025207.5(FLAD1):c.751G>A (p.Val251Ile)

Gene: FLAD1 (flavin adenine dinucleotide synthetase 1; plus strand). Cytogenetic location: 1q21.3.
Variant type: single nucleotide variant.
Coding change: c.751G>A on transcript NM_025207.5 (MANE Select); coding-DNA position 751, G replaced by A.
Protein change: p.Val251Ile; replaces valine 251 with isoleucine.
Molecular consequence: missense variant.
Genome position (GRCh38, 1-based): chr1:154,988,483, G>A. VCF-style: chr1-154988483-G-A. GRCh37 (hg19) VCF-style: chr1-154960959-G-A.
Other names: c.460G>A, p.Val154Ile (NM_001184891.2, NM_201398.3); c.454G>A, p.Val152Ile (NM_001184892.2); short protein forms V251I, V152I, V154I.
Identifiers: ClinVar variation 1485636 (VCV001485636.3), dbSNP rs192926060, ClinGen allele CA1134393.
Genomic context (GRCh38, chr1:154,988,483, plus strand): 5'-TATGGCACAGATCCTTGCACTGGTCAACCTTTCAGATTCCCTCTGGTCTCCGTCCGAAAC[G>A]TCTACCTCTTCCCAGGCATTCCAGAGCTGCTGCGGCGGGTGCTGGAGGGGATGAAGGGAC-3'
Protein context (NP_079483.3, residues 241-261): FRFPLVSVRN[Val251Ile]YLFPGIPELL